The following is an entry in ClinVar:

NM_001271.4(CHD2):c.2190-15_2190-7del

Gene: CHD2 (chromodomain helicase DNA binding protein 2; plus strand). Cytogenetic location: 15q26.1.
Variant type: Deletion.
Coding change: c.2190-15_2190-7del on transcript NM_001271.4 (MANE Select); 15 bases into the intron before coding-DNA position 2190 through 7 bases into the intron before coding-DNA position 2190, 9 bases deleted (CATTTTAAT; older notation c.2190-15_2190-7delCATTTTAAT).
Molecular consequence: intron variant.
Genome position (GRCh38, 1-based): chr15:92,971,750-92,971,758, CATTTTAAT deleted; deleting any 9 consecutive bases within chr15:92,971,748-92,971,758 gives the same sequence; the c. name uses the placement nearest the transcript's 3' end. VCF-style (leftmost placement, unchanged base first): chr15-92971747-TATCATTTTA-T. GRCh37 (hg19) VCF-style: chr15-93514977-TATCATTTTA-T.
Identifiers: ClinVar variation 3657390 (VCV003657390.2).

ClinVar aggregate classification (germline): Uncertain significance (1 of 4 stars; one submission).

Conditions:
Developmental and epileptic encephalopathy 94 (DEE94). Also called: CHD2-Related Neurodevelopmental Disorders; Epileptic encephalopathy, childhood-onset. Identifiers: Orphanet 1942, Orphanet 2382, MedGen C3809278, MONDO:0014150, OMIM 615369.

Submission:

Labcorp Genetics (formerly Invitae), Labcorp
Classification: Uncertain significance for Developmental and epileptic encephalopathy 94. Last evaluated: 2024-06-22. Review status: criteria provided, single submitter. Criteria: Invitae Variant Classification Sherloc (09022015). Collection method: clinical testing. Allele origin: germline.
Comment: This sequence change falls in intron 17 of the CHD2 gene. It does not directly change the encoded amino acid sequence of the CHD2 protein. This variant is not present in population databases (gnomAD no frequency). This variant has not been reported in the literature in individuals affected with CHD2-related conditions. Algorithms developed to predict the effect of sequence changes on RNA splicing suggest that this variant may disrupt the consensus splice site. In summary, the available evidence is currently insufficient to determine the role of this variant in disease. Therefore, it has been classified as a Variant of Uncertain Significance.